The following is an entry in ClinVar:

ClinVar aggregate classification (germline): Uncertain significance (1 of 4 stars; one submission).

Conditions:
Duchenne muscular dystrophy (DMD). Also called: MUSCULAR DYSTROPHY, PSEUDOHYPERTROPHIC PROGRESSIVE, DUCHENNE TYPE; Duchenne Muscular Dystrophy (DMD). Identifiers: Orphanet 98896, MedGen C0013264, MONDO:0010679, OMIM 310200.

Allele frequency attached by ClinVar (database versions not stated): TOPMed below 0.00001; gnomAD 0.00001; gnomAD exomes below 0.00001.
gnomAD v4.1: 4 of 1,208,767 alleles (0.00033%); highest among the groups gnomAD compares: East Asian, 0.003%; no homozygotes.

Submission:

Labcorp Genetics (formerly Invitae), Labcorp
Classification: Uncertain significance for Duchenne muscular dystrophy. Last evaluated: 2021-09-17. Review status: criteria provided, single submitter. Criteria: Invitae Variant Classification Sherloc (09022015). Collection method: clinical testing. Allele origin: germline.
Comment: This sequence change replaces isoleucine with threonine at codon 2929 of the DMD protein (p.Ile2929Thr). The isoleucine residue is highly conserved and there is a moderate physicochemical difference between isoleucine and threonine. This variant is not present in population databases (ExAC no frequency). This variant has not been reported in the literature in individuals with DMD-related conditions. Algorithms developed to predict the effect of missense changes on protein structure and function are either unavailable or do not agree on the potential impact of this missense change (SIFT: "Deleterious"; PolyPhen-2: "Benign"; Align-GVGD: "Class C65"). In summary, the available evidence is currently insufficient to determine the role of this variant in disease. Therefore, it has been classified as a Variant of Uncertain Significance.

NM_004006.3(DMD):c.8786T>C (p.Ile2929Thr)

Gene: DMD (dystrophin; minus strand). Cytogenetic location: Xp21.2.
Variant type: single nucleotide variant.
Coding change: c.8786T>C on transcript NM_004006.3 (MANE Select); coding-DNA position 8786, T replaced by C.
Protein change: p.Ile2929Thr; replaces isoleucine 2929 with threonine.
Molecular consequence: missense variant.
Genome position (GRCh38, 1-based): chrX:31,478,257, A>G on the plus strand (T>C on the coding strand, the complement: DMD is on the minus strand). VCF-style: chrX-31478257-A-G. GRCh37 (hg19) VCF-style: chrX-31496374-A-G.
Other names: c.8762T>C, p.Ile2921Thr (NM_000109.4); c.8774T>C, p.Ile2925Thr (NM_004009.3); c.8417T>C, p.Ile2806Thr (NM_004010.3); c.4763T>C, p.Ile1588Thr (NM_004011.4); c.4754T>C, p.Ile1585Thr (NM_004012.4); c.1406T>C, p.Ile469Thr (NM_004013.3, NM_004020.4, NM_004021.3 and 2 more transcripts); c.599T>C, p.Ile200Thr (NM_004014.3); short protein forms I1585T, I2806T, I2925T, I2929T, I1588T, I200T, I2921T, I469T.
Identifiers: ClinVar variation 1410709 (VCV001410709.5), dbSNP rs1181907562, ClinGen allele CA412654157.